The following is an entry in ClinVar:

NM_000562.3(C8A):c.1730G>A (p.Arg577Gln)

Gene: C8A (complement C8 alpha chain; plus strand). Cytogenetic location: 1p32.2.
Variant type: single nucleotide variant.
Coding change: c.1730G>A on transcript NM_000562.3 (MANE Select); coding-DNA position 1730, G replaced by A.
Protein change: p.Arg577Gln; replaces arginine 577 with glutamine.
Molecular consequence: missense variant.
Genome position (GRCh38, 1-based): chr1:56,917,691, G>A. VCF-style: chr1-56917691-G-A. GRCh37 (hg19) VCF-style: chr1-57383364-G-A.
Other names: short protein forms R577Q.
Identifiers: ClinVar variation 1358384 (VCV001358384.5), dbSNP rs775054168, ClinGen allele CA875496.
Genomic context (GRCh38, chr1:56,917,691, plus strand): 5'-AAAGGAGAAGAGAGTGTGACAATCCAGCACCTCAGAATGGAGGGGCCTCGTGTCCAGGGC[G>A]GAAAGTACAGACGCAGGCTTGCTGAGGGCCTCTGGACACAGGCTGGACCAGATGCTGTGG-3'
Protein context (NP_000553.1, residues 567-584): PQNGGASCPG[Arg577Gln]KVQTQAC

ClinVar aggregate classification (germline): Uncertain significance (1 of 4 stars; one submission).

Allele frequency attached by ClinVar (database versions not stated): gnomAD exomes 0.00001 and 0.00002; gnomAD 0.00002 and 0.00003; TOPMed 0.00002; ExAC 0.00004.
gnomAD v4.1: 22 of 1,614,200 alleles (0.0014%); highest among the groups gnomAD compares: African/African-American, 0.0067%; no homozygotes.

Submission:

Labcorp Genetics (formerly Invitae), Labcorp
Classification: Uncertain significance. Last evaluated: 2022-04-12. Review status: criteria provided, single submitter. Criteria: Invitae Variant Classification Sherloc (09022015). Collection method: clinical testing. Allele origin: germline.
Comment: This sequence change replaces arginine, which is basic and polar, with glutamine, which is neutral and polar, at codon 577 of the C8A protein (p.Arg577Gln). This variant is present in population databases (rs775054168, gnomAD 0.04%). This variant has not been reported in the literature in individuals affected with C8A-related conditions. Algorithms developed to predict the effect of missense changes on protein structure and function (SIFT, PolyPhen-2, Align-GVGD) all suggest that this variant is likely to be tolerated. Algorithms developed to predict the effect of sequence changes on RNA splicing suggest that this variant may create or strengthen a splice site. In summary, the available evidence is currently insufficient to determine the role of this variant in disease. Therefore, it has been classified as a Variant of Uncertain Significance.